The following is an entry in ClinVar:

NC_000017.10:g.(?_6589506)_(7128436_?)del

Genes: DLG4 (discs large MAGUK scaffold protein 4; minus strand), SLC16A13 (solute carrier family 16 member 13; plus strand), ASGR2 (asialoglycoprotein receptor 2; minus strand), MIR195 (microRNA 195; minus strand), SLC13A5 (solute carrier family 13 member 5; minus strand) and 12 more. Cytogenetic location: 17p13.1.
Variant type: Deletion.
Identifiers: ClinVar variation 1076973 (VCV001076973.1).

ClinVar aggregate classification (germline): Pathogenic (1 of 4 stars; one submission).

Conditions:
Very long chain acyl-CoA dehydrogenase deficiency (ACADVLD). Also called: Very Long-Chain Acyl-Coenzyme A Dehydrogenase Deficiency; VLCAD Deficiency. Identifiers: Orphanet 26793, MedGen C3887523, MONDO:0008723, OMIM 201475.

Submission:

Labcorp Genetics (formerly Invitae), Labcorp
Classification: Pathogenic for Very long chain acyl-CoA dehydrogenase deficiency. Last evaluated: 2020-08-16. Review status: criteria provided, single submitter. Criteria: Invitae Variant Classification Sherloc (09022015). Collection method: clinical testing. Allele origin: germline.
Comment: A gross deletion of the genomic region encompassing the full coding sequence of the ACADVL gene has been identified. The boundaries of this event are unknown as the deletion extends beyond the assayed region for this gene and therefore may encompass additional genes. This variant has not been reported in the literature in individuals with ACADVL-related conditions. Loss-of-function variants in ACADVL are known to be pathogenic (PMID: 9973285, 11590124). For these reasons, this variant has been classified as Pathogenic.

Literature cited by the submitters: PubMed 9973285; PubMed 11590124.